The following is an entry in ClinVar:

NM_005262.3(GFER):c.248C>T (p.Thr83Met)

Genes: GFER (growth factor, augmenter of liver regeneration; plus strand), LOC130058203 (ATAC-STARR-seq lymphoblastoid silent region 7014; plus strand). Cytogenetic location: 16p13.3.
Variant type: single nucleotide variant.
Coding change: c.248C>T on transcript NM_005262.3 (MANE Select); coding-DNA position 248, C replaced by T.
Protein change: p.Thr83Met; replaces threonine 83 with methionine.
Molecular consequence: missense variant.
Genome position (GRCh38, 1-based): chr16:1,984,466, C>T. VCF-style: chr16-1984466-C-T. GRCh37 (hg19) VCF-style: chr16-2034467-C-T.
Other names: short protein forms T83M.
Identifiers: ClinVar variation 4701126 (VCV004701126.1).

ClinVar aggregate classification (germline): Uncertain significance (1 of 4 stars; one submission).

gnomAD v4.1: 1 of 1,558,842 alleles (0.000064%); highest among the groups gnomAD compares: South Asian, 0.0012%; no homozygotes.

Submission:

Labcorp Genetics (formerly Invitae), Labcorp
Classification: Uncertain significance. Last evaluated: 2025-04-07. Review status: criteria provided, single submitter. Criteria: Invitae Variant Classification Sherloc (09022015). Collection method: clinical testing. Allele origin: germline.
Comment: This sequence change replaces threonine, which is neutral and polar, with methionine, which is neutral and non-polar, at codon 83 of the GFER protein (p.Thr83Met). The frequency data for this variant in the population databases is considered unreliable, as metrics indicate poor data quality at this position in the gnomAD database. This variant has not been reported in the literature in individuals affected with GFER-related conditions. An algorithm developed to predict the effect of missense changes on protein structure and function (PolyPhen-2) suggests that this variant is likely to be tolerated. In summary, the available evidence is currently insufficient to determine the role of this variant in disease. Therefore, it has been classified as a Variant of Uncertain Significance.